The following is an entry in ClinVar:

ClinVar aggregate classification (germline): Likely pathogenic (1 of 4 stars; one submission).

Conditions:
Cystic fibrosis (CF). Also called: MUCOVISCIDOSIS. Identifiers: Orphanet 586, MedGen C0010674, MONDO:0009061, OMIM 219700. Disease mechanism: loss of function.

Submission:

Women's Health and Genetics/Laboratory Corporation of America, LabCorp
Classification: Likely pathogenic for Cystic fibrosis. Last evaluated: 2023-11-08. Review status: criteria provided, single submitter. Criteria: LabCorp Variant Classification Summary - May 2015. Collection method: clinical testing. Allele origin: germline.
Comment: Variant summary: The variant involves the duplication of exon 26 in the CFTR gene. A presumed nomenclature of c.(4136+1_4137-1)_(4242+1_4243-1)dup has been designated for the purposes of this classification. It is assumed to be a tandem duplication in direct orientation (Richardson_GIM_2018, Newman_AJHG_2015). This Copy Number Variant (CNV) is predicted to result in an in-frame duplication within this gene. The variant was absent in 21692 control chromosomes. The available data on variant occurrences in the general population are insufficient to allow any conclusion about variant significance. To our knowledge, no occurrence of c.(4136+1_4137-1)_(4242+1_4243-1)dup in individuals affected with Cystic Fibrosis and no experimental evidence demonstrating its impact on protein function have been reported. No submitters have cited clinical-significance assessments for this variant to ClinVar after 2014. Based on the evidence outlined above, the variant was classified as likely pathogenic.

NC_000007.13:g.(117304915_117305512)_(117305619_117306961)dup

Gene: CFTR (CF transmembrane conductance regulator; plus strand). Cytogenetic location: 7q31.2.
Variant type: Duplication.
Identifiers: ClinVar variation 2682385 (VCV002682385.1).